The following is an entry in ClinVar:

NM_000181.4(GUSB):c.581+8C>T

Gene: GUSB (glucuronidase beta; minus strand). Cytogenetic location: 7q11.21.
Variant type: single nucleotide variant.
Coding change: c.581+8C>T on transcript NM_000181.4 (MANE Select); 8 bases into the intron after coding-DNA position 581, C replaced by T.
Molecular consequence: intron variant.
Genome position (GRCh38, 1-based): chr7:65,979,719, G>A on the plus strand (C>T on the coding strand, the complement: GUSB is on the minus strand). VCF-style: chr7-65979719-G-A. GRCh37 (hg19) VCF-style: chr7-65444706-G-A.
Other names: c.67+505C>T (NM_001293105.2); c.12-178C>T (NM_001293104.2); c.474+115C>T (NM_001284290.2); c.581+8C>T (NM_000181.3).
Identifiers: ClinVar variation 1663021 (VCV001663021.10), dbSNP rs527730129, ClinGen allele CA4276606.

ClinVar aggregate classification (germline): Likely benign. Review status: criteria provided, single submitter (1 of 4 stars). 2 submissions from 2 submitters: Likely benign (1). 1 of the submissions does not count toward it. Last evaluated 2026-01-20.

Conditions:
GUSB-related disorder. Also called: GUSB-related condition.
Mucopolysaccharidosis type 7 (MPS7). Also called: GUSB DEFICIENCY; SLY SYNDROME; BETA-GLUCURONIDASE DEFICIENCY; MPS VII. Identifiers: Orphanet 584, MedGen C0085132, MONDO:0009662, OMIM 253220.

Allele frequency attached by ClinVar (database versions not stated): gnomAD 0.00001 and 0.00003; 1000 Genomes Project 30x 0.00016; 1000 Genomes Project 0.00020.
gnomAD v4.1: 113 of 1,612,962 alleles (0.007%); highest among the groups gnomAD compares: East Asian, 0.25%; no homozygotes.

Submissions (2):

Labcorp Genetics (formerly Invitae), Labcorp
Classification: Likely benign for Mucopolysaccharidosis type 7. Last evaluated: 2026-01-20. Review status: criteria provided, single submitter. Criteria: Invitae Variant Classification Sherloc (09022015). Collection method: clinical testing. Allele origin: germline.

PreventionGenetics, part of Exact Sciences
Classification: Likely benign for GUSB-related condition. Last evaluated: 2021-12-22. Review status: no assertion criteria provided. Collection method: clinical testing. Allele origin: germline. Not counted in ClinVar's aggregate classification.
Comment: This variant is classified as likely benign based on ACMG/AMP sequence variant interpretation guidelines (Richards et al. 2015 PMID: 25741868, with internal and published modifications).